The following is an entry in ClinVar:

ClinVar aggregate classification (germline): Conflicting classifications of pathogenicity. Review status: criteria provided, conflicting classifications (1 of 4 stars). 8 submissions from 8 submitters: Uncertain significance (2); Likely benign (5). 1 of the submissions does not count toward it. Last evaluated 2026-01-28.

Conditions:
Inborn genetic diseases. Identifiers: MedGen C0950123, MeSH D030342.
Glutaric aciduria, type 1. Also called: Glutaryl-CoA dehydrogenase deficiency; Glutaricaciduria, type I; GA I; Glutaric Acidemia Type 1; Glutaric acidemia type I; Glutaricacidemia Type 1. Identifiers: Orphanet 25, MedGen C0268595, MONDO:0009281, OMIM 231670.

Allele frequency attached by ClinVar (database versions not stated): gnomAD exomes 0.00013 and 0.00031; ExAC 0.00030; TOPMed 0.00072; ESP Exome Variant Server 0.00077; gnomAD 0.00078 and 0.00081; 1000 Genomes Project 0.00080; 1000 Genomes Project 30x 0.00109.
gnomAD v4.1: 312 of 1,614,010 alleles (0.019%); highest among the groups gnomAD compares: African/African-American, 0.27%; no homozygotes.

Submissions (11):

Labcorp Genetics (formerly Invitae), Labcorp
Classification: Likely benign for Glutaric aciduria, type 1. Last evaluated: 2026-01-28. Review status: criteria provided, single submitter. Criteria: Invitae Variant Classification Sherloc (09022015). Collection method: clinical testing. Allele origin: germline.

Mayo Clinic Laboratories, Mayo Clinic
Classification: Likely benign. Last evaluated: 2025-07-09. Review status: criteria provided, single submitter. Criteria: ACMG Guidelines, 2015. Collection method: clinical testing. Allele origin: germline. Observed: 3 variant alleles.
Comment: BP4, BP7

Blueprint Genetics
Classification: Likely benign. Last evaluated: 2024-04-11. Review status: criteria provided, single submitter. Criteria: ACMG Guidelines, 2015. Collection method: clinical testing. Allele origin: germline.

Ambry Genetics
Classification: Likely benign for Inborn genetic diseases. Last evaluated: 2022-11-07. Review status: criteria provided, single submitter. Criteria: Ambry Variant Classification Scheme 2023. Collection method: clinical testing. Allele origin: germline.

GeneDx
Classification: Likely benign. Last evaluated: 2021-06-11. Review status: criteria provided, single submitter. Criteria: GeneDx Variant Classification Process June 2021. Collection method: clinical testing. Allele origin: germline. Affected: yes.

Eurofins Ntd Llc (ga)
Classification: Uncertain significance. Last evaluated: 2018-09-11. Review status: criteria provided, single submitter. Criteria: EGL ClinVar v180209 classification definitions. Collection method: clinical testing. Allele origin: germline. Observed: 1 variant allele, 1 heterozygote.

Illumina Laboratory Services, Illumina
Classification: Uncertain significance for Glutaric aciduria, type 1. Last evaluated: 2018-01-13. Review status: criteria provided, single submitter. Criteria: ICSL Variant Classification Criteria 13 December 2019. Collection method: clinical testing. Allele origin: germline.

Natera, Inc.
Classification: Uncertain significance for Glutaric acidemia type 1. Last evaluated: 2020-01-17. Review status: no assertion criteria provided. Collection method: clinical testing. Allele origin: germline. Not counted in ClinVar's aggregate classification.

Dr. Peter K. Rogan Lab, Western University
No classification provided (evidence only). Condition: Familial cancer of breast. Review status: no classification provided. Collection method: in vitro. Allele origin: not applicable. Functional consequence: retained intron. Not counted in ClinVar's aggregate classification.

Dr. Peter K. Rogan Lab, Western University
No classification provided (evidence only). Condition: Familial cancer of breast. Review status: no classification provided. Collection method: in vitro. Allele origin: not applicable. Functional consequence: skipped exon, retained intron. Not counted in ClinVar's aggregate classification.

Dr. Peter K. Rogan Lab, Western University
No classification provided (evidence only). Condition: Hepatocellular carcinoma. Review status: no classification provided. Collection method: in vitro. Allele origin: not applicable. Functional consequence: retained intron. Not counted in ClinVar's aggregate classification.

NM_000159.4(GCDH):c.471C>T (p.Ser157=)

Gene: GCDH (glutaryl-CoA dehydrogenase; plus strand). Cytogenetic location: 19p13.13.
Variant type: single nucleotide variant.
Coding change: c.471C>T on transcript NM_000159.4 (MANE Select); coding-DNA position 471, C replaced by T.
Protein change: p.Ser157=; no amino-acid change (serine 157 retained).
Molecular consequence: synonymous variant. On other transcripts: non-coding transcript variant (2).
Genome position (GRCh38, 1-based): chr19:12,893,619, C>T. VCF-style: chr19-12893619-C-T. GRCh37 (hg19) VCF-style: chr19-13004433-C-T.
Other names: p.Ser157=; c.471C>T, p.Ser157= (NM_013976.5).
Identifiers: ClinVar variation 328329 (VCV000328329.28), dbSNP rs146682905, ClinGen allele CA9234394.